The following is an entry in ClinVar:

ClinVar aggregate classification (germline): Likely pathogenic (1 of 4 stars; one submission).

Conditions:
Hereditary spastic paraplegia 4. Also called: Familial spastic paraplegia autosomal dominant 2; Spastic paraplegia 4, autosomal dominant; Spastic Paraplegia 4. Identifiers: Orphanet 100985, MedGen C1866855, MONDO:0008438, OMIM 182601.

Submission:

3billion
Classification: Likely pathogenic for Hereditary spastic paraplegia 4. Last evaluated: 2025-05-29. Review status: criteria provided, single submitter. Criteria: ACMG Guidelines, 2015. Collection method: clinical testing. Allele origin: germline. Affected: yes.
Comment: The variant is not observed in the gnomAD v4.1.0 dataset. Predicted Consequence/Location: Stop-gained (nonsense): predicted to result in a loss or disruption of normal protein function through protein truncation. Multiple pathogenic variants are reported in the predicted truncated region. Therefore, this variant is classified as Likely pathogenic according to the recommendation of ACMG/AMP guideline.

NM_014946.4(SPAST):c.1729del (p.Glu576_Met577insTer)

Gene: SPAST (spastin; plus strand). Cytogenetic location: 2p22.3.
Variant type: Deletion.
Coding change: c.1729del on transcript NM_014946.4 (MANE Select); coding-DNA position 1729, one base deleted (A; older notation c.1729delA).
Protein change: p.Glu576_Met577insTer.
Molecular consequence: nonsense. On other transcripts: 3 prime UTR variant (1).
Genome position (GRCh38, 1-based): chr2:32,154,374, A deleted. VCF-style (leftmost placement, unchanged base first): chr2-32154373-GA-G. GRCh37 (hg19) VCF-style: chr2-32379442-GA-G.
Other names: c.1726del, p.Glu575_Met576insTer (NM_001363823.2); c.1630del, p.Glu543_Met544insTer (NM_001363875.2); c.*2del (NM_001377959.1); c.1633del, p.Glu544_Met545insTer (NM_199436.2).
Identifiers: ClinVar variation 4856194 (VCV004856194.1).
Genomic context (GRCh38, chr2:32,154,373, plus strand): 5'-TTCGTTAACCACCATATACCTGTTGATCATTTGTATTGTCATGTGCTTTTTAAAAATCTA[GA>G]TGAGAAATATTCGATTATCTGACTTCACTGAATCCTTGAAAAAAATAAAACGCAGCGTCA-3'